The following is an entry in ClinVar:

NM_001286581.2(PHRF1):c.3051_3060del (p.Ser1019fs)

Gene: PHRF1 (PHD and ring finger domains 1; plus strand). Cytogenetic location: 11p15.5.
Variant type: Deletion.
Coding change: c.3051_3060del on transcript NM_001286581.2 (MANE Select); coding-DNA positions 3051 to 3060, 10 bases deleted (GCGCTCTGGG; older notation c.3051_3060delGCGCTCTGGG).
Protein change: p.Ser1019fs; shifts the reading frame from serine 1019.
Molecular consequence: frameshift variant.
Genome position (GRCh38, 1-based): chr11:608,507-608,516, GCGCTCTGGG deleted. VCF-style (leftmost placement, unchanged base first): chr11-608506-CGCGCTCTGGG-C. GRCh37 (hg19) VCF-style: chr11-608506-CGCGCTCTGGG-C.
Other names: c.3045_3054del, p.Ser1017fs (NM_001286582.2); c.3039_3048del, p.Ser1015fs (NM_001286583.2); c.3048_3057del, p.Ser1018fs (NM_020901.4); short protein forms S1015fs, S1017fs, S1018fs, S1019fs.
Identifiers: ClinVar variation 3051722 (VCV003051722.2), dbSNP rs553793466, ClinGen allele CA5782689.

ClinVar aggregate classification (germline): Likely benign (0 of 4 stars; one submission).

Conditions:
PHRF1-related disorder. Also called: PHRF1-related condition.

Allele frequency attached by ClinVar (database versions not stated): gnomAD exomes 0.00023; ExAC 0.00074; gnomAD 0.00201; 1000 Genomes Project 0.00319; ESP Exome Variant Server 0.07719.

Submission:

PreventionGenetics, part of Exact Sciences
Classification: Likely benign for PHRF1-related condition. Last evaluated: 2020-07-28. Review status: no assertion criteria provided. Collection method: clinical testing. Allele origin: germline.
Comment: This variant is classified as likely benign based on ACMG/AMP sequence variant interpretation guidelines (Richards et al. 2015 PMID: 25741868, with internal and published modifications).